The following is an entry in ClinVar:

NM_004369.4(COL6A3):c.3273C>A (p.Val1091=)

Gene: COL6A3 (collagen type VI alpha 3 chain; minus strand). Cytogenetic location: 2q37.3.
Variant type: single nucleotide variant.
Coding change: c.3273C>A on transcript NM_004369.4 (MANE Select); coding-DNA position 3273, C replaced by A.
Protein change: p.Val1091=; no amino-acid change (valine 1091 retained).
Molecular consequence: synonymous variant.
Genome position (GRCh38, 1-based): chr2:237,374,818, G>T on the plus strand (C>A on the coding strand, the complement: COL6A3 is on the minus strand). VCF-style: chr2-237374818-G-T. GRCh37 (hg19) VCF-style: chr2-238283461-G-T.
Other names: c.2052C>A, p.Val684= (NM_057164.5); c.2655C>A, p.Val885= (NM_057165.5, NM_057167.4); c.1452C>A, p.Val484= (NM_057166.5).
Identifiers: ClinVar variation 1660148 (VCV001660148.32), dbSNP rs200562443, ClinGen allele CA431712070.

ClinVar aggregate classification (germline): Likely benign. Review status: criteria provided, multiple submitters, no conflicts (2 of 4 stars). 2 submissions from 2 submitters: Likely benign (2). Last evaluated 2025-10-02.

Conditions:
Bethlem myopathy 1A. Also called: MYOPATHY, BENIGN CONGENITAL, WITH CONTRACTURES; Bethlem myopathy 1; Bethlem Muscular Dystrophy. Identifiers: Orphanet 610, MedGen CN029274, MONDO:0024530, OMIM 158810.

gnomAD v4.1: 1 of 1,614,002 alleles (0.000062%); highest among the groups gnomAD compares: Non-Finnish European, 0.000085%; no homozygotes.

Submissions (2):

Labcorp Genetics (formerly Invitae), Labcorp
Classification: Likely benign for Bethlem myopathy 1A. Last evaluated: 2025-10-02. Review status: criteria provided, single submitter. Criteria: Invitae Variant Classification Sherloc (09022015). Collection method: clinical testing. Allele origin: germline.

CeGaT Center for Human Genetics Tuebingen
Classification: Likely benign. Last evaluated: 2022-03-01. Review status: criteria provided, single submitter. Criteria: CeGaT Center For Human Genetics Tuebingen Variant Classification Criteria Version 2. Collection method: clinical testing. Allele origin: germline. Affected: yes. Observed: 1 variant allele.
Comment: COL6A3: PM2:Supporting, BP4, BP7